The following is an entry in ClinVar:

ClinVar aggregate classification (germline): Uncertain significance (1 of 4 stars; one submission).

gnomAD v4.1: 1 of 916,848 alleles (0.00011%); highest among the groups gnomAD compares: Non-Finnish European, 0.00013%; no homozygotes.

Submission:

GeneDx
Classification: Uncertain significance. Last evaluated: 2022-01-18. Review status: criteria provided, single submitter. Criteria: GeneDx Variant Classification Process June 2021. Collection method: clinical testing. Allele origin: germline. Affected: yes.
Comment: Not observed at significant frequency in large population cohorts (gnomAD); In silico analysis supports that this missense variant does not alter protein structure/function; Has not been previously published as pathogenic or benign to our knowledge

NM_001009944.3(PKD1):c.55C>T (p.Leu19Phe)

Gene: PKD1 (polycystin 1, transient receptor potential channel interacting; minus strand). Cytogenetic location: 16p13.3.
Variant type: single nucleotide variant.
Coding change: c.55C>T on transcript NM_001009944.3 (MANE Select); coding-DNA position 55, C replaced by T.
Protein change: p.Leu19Phe; replaces leucine 19 with phenylalanine.
Molecular consequence: missense variant.
Genome position (GRCh38, 1-based): chr16:2,135,635, G>A on the plus strand (C>T on the coding strand, the complement: PKD1 is on the minus strand). VCF-style: chr16-2135635-G-A. GRCh37 (hg19) VCF-style: chr16-2185636-G-A.
Other names: c.55C>T, p.Leu19Phe (NM_000296.4); short protein forms L19F.
Identifiers: ClinVar variation 1697202 (VCV001697202.2), dbSNP rs2151858362, ClinGen allele CA394282955.